The following is an entry in ClinVar:

ClinVar aggregate classification (germline): Uncertain significance (1 of 4 stars; one submission).

gnomAD v4.1: 3 of 1,605,990 alleles (0.00019%); highest among the groups gnomAD compares: Non-Finnish European, 0.00026%; no homozygotes.

Submission:

Women's Health and Genetics/Laboratory Corporation of America, LabCorp
Classification: Uncertain significance. Last evaluated: 2025-06-26. Review status: criteria provided, single submitter. Criteria: LabCorp Variant Classification Summary - May 2015. Collection method: clinical testing. Allele origin: germline.
Comment: Variant summary: KMT2D c.14225C>G (p.Pro4742Arg) results in a non-conservative amino acid change in the encoded protein sequence. Algorithms developed to predict the effect of missense changes on protein structure and function all suggest that this variant is likely to be disruptive. The variant was absent in 246664 control chromosomes. The available data on variant occurrences in the general population are insufficient to allow any conclusion about variant significance. To our knowledge, no occurrence of c.14225C>G in individuals affected with Kabuki Syndrome 1 and no experimental evidence demonstrating its impact on protein function have been reported. No submitters have cited clinical-significance assessments for this variant to ClinVar. Based on the evidence outlined above, the variant was classified as uncertain significance.

NM_003482.4(KMT2D):c.14225C>G (p.Pro4742Arg)

Gene: KMT2D (lysine methyltransferase 2D; minus strand). Cytogenetic location: 12q13.12.
Variant type: single nucleotide variant.
Coding change: c.14225C>G on transcript NM_003482.4 (MANE Select); coding-DNA position 14225, C replaced by G.
Protein change: p.Pro4742Arg; replaces proline 4742 with arginine.
Molecular consequence: missense variant.
Genome position (GRCh38, 1-based): chr12:49,029,087, G>C on the plus strand (C>G on the coding strand, the complement: KMT2D is on the minus strand). VCF-style: chr12-49029087-G-C. GRCh37 (hg19) VCF-style: chr12-49422870-G-C.
Other names: short protein forms P4742R.
Identifiers: ClinVar variation 3907491 (VCV003907491.1).